The following is an entry in ClinVar:

ClinVar aggregate classification (germline): Uncertain significance. Review status: criteria provided, multiple submitters, no conflicts (2 of 4 stars). 3 submissions from 3 submitters: Uncertain significance (3). Last evaluated 2025-05-25.

Conditions:
Hereditary cancer-predisposing syndrome. Also called: Hereditary Cancer Syndrome; Tumor predisposition; Neoplastic Syndromes, Hereditary; Hereditary neoplastic syndrome. Identifiers: Orphanet 140162, MedGen C0027672, MeSH D009386, MONDO:0015356.
Bloom syndrome (BLM). Also called: Bloom-Torre-Machacek syndrome. Identifiers: Orphanet 125, MedGen C0005859, MONDO:0008876, OMIM 210900.

Allele frequency attached by ClinVar (database versions not stated): gnomAD exomes below 0.00001 and 0.00001; ExAC 0.00001.
gnomAD v4.1: 6 of 1,614,026 alleles (0.00037%); highest among the groups gnomAD compares: Non-Finnish European, 0.00051%; no homozygotes.

Submissions (3):

Labcorp Genetics (formerly Invitae), Labcorp
Classification: Uncertain significance for Bloom syndrome. Last evaluated: 2025-05-25. Review status: criteria provided, single submitter. Criteria: Invitae Variant Classification Sherloc (09022015). Collection method: clinical testing. Allele origin: germline.
Comment: This sequence change replaces leucine, which is neutral and non-polar, with phenylalanine, which is neutral and non-polar, at codon 681 of the BLM protein (p.Leu681Phe). This variant is present in population databases (rs768774375, gnomAD 0.002%). This variant has not been reported in the literature in individuals affected with BLM-related conditions. ClinVar contains an entry for this variant (Variation ID: 1016601). Invitae Evidence Modeling of protein sequence and biophysical properties (such as structural, functional, and spatial information, amino acid conservation, physicochemical variation, residue mobility, and thermodynamic stability) indicates that this missense variant is not expected to disrupt BLM protein function with a negative predictive value of 80%. In summary, the available evidence is currently insufficient to determine the role of this variant in disease. Therefore, it has been classified as a Variant of Uncertain Significance.

GeneDx
Classification: Uncertain significance. Last evaluated: 2023-05-05. Review status: criteria provided, single submitter. Criteria: GeneDx Variant Classification Process June 2021. Collection method: clinical testing. Allele origin: germline. Affected: yes.
Comment: Not observed at significant frequency in large population cohorts (gnomAD); In silico analysis supports that this missense variant has a deleterious effect on protein structure/function; Has not been previously published as pathogenic or benign to our knowledge

Ambry Genetics
Classification: Uncertain significance for Hereditary cancer-predisposing syndrome. Last evaluated: 2022-08-29. Review status: criteria provided, single submitter. Criteria: Ambry Variant Classification Scheme 2023. Collection method: clinical testing. Allele origin: germline.
Comment: The p.L681F variant (also known as c.2041C>T), located in coding exon 7 of the BLM gene, results from a C to T substitution at nucleotide position 2041. The leucine at codon 681 is replaced by phenylalanine, an amino acid with highly similar properties. This amino acid position is conserved. In addition, this alteration is predicted to be tolerated by in silico analysis. Since supporting evidence is limited at this time, the clinical significance of this alteration remains unclear.

NM_000057.4(BLM):c.2041C>T (p.Leu681Phe)

Gene: BLM (BLM RecQ like helicase; plus strand). Cytogenetic location: 15q26.1.
Variant type: single nucleotide variant.
Coding change: c.2041C>T on transcript NM_000057.4 (MANE Select); coding-DNA position 2041, C replaced by T.
Protein change: p.Leu681Phe; replaces leucine 681 with phenylalanine.
Molecular consequence: missense variant.
Genome position (GRCh38, 1-based): chr15:90,763,124, C>T. VCF-style: chr15-90763124-C-T. GRCh37 (hg19) VCF-style: chr15-91306354-C-T.
Other names: c.2041C>T, p.Leu681Phe (NM_001287246.2, NM_001287247.2); c.916C>T, p.Leu306Phe (NM_001287248.2); short protein forms L306F, L681F.
Identifiers: ClinVar variation 1016601 (VCV001016601.10), dbSNP rs768774375, ClinGen allele CA7738636.